The following is an entry in ClinVar:

ClinVar aggregate classification (germline): Likely pathogenic (1 of 4 stars; one submission).

Conditions:
Hereditary spastic paraplegia 4. Also called: Spastic Paraplegia 4; Familial spastic paraplegia autosomal dominant 2; Spastic paraplegia 4, autosomal dominant. Identifiers: Orphanet 100985, MedGen C1866855, MONDO:0008438, OMIM 182601.

Submission:

Dr. med. U. Finckh, Human Genetics, Eurofins MVZ
Classification: Likely pathogenic for Hereditary spastic paraplegia 4. Last evaluated: 2020-12-02. Review status: criteria provided, single submitter. Criteria: ACMG Guidelines, 2015. Collection method: clinical testing. Allele origin: unknown. Affected: yes. Observed: 1 heterozygote.

NM_014946.4(SPAST):c.443delinsTAC (p.Trp148fs)

Gene: SPAST (spastin; plus strand). Cytogenetic location: 2p22.3.
Variant type: Indel.
Coding change: c.443delinsTAC on transcript NM_014946.4 (MANE Select); coding-DNA position 443, G replaced by TAC.
Protein change: p.Trp148fs; shifts the reading frame from tryptophan 148.
Molecular consequence: frameshift variant.
Genome position (GRCh38, 1-based): chr2:32,087,519, G replaced by TAC. VCF-style: chr2-32087519-G-TAC. GRCh37 (hg19) VCF-style: chr2-32312588-G-TAC.
Other names: c.440delinsTAC, p.Trp147fs (NM_001363823.2, NM_001363875.2); c.443delinsTAC, p.Trp148fs (NM_001377959.1, NM_199436.2); short protein forms W147fs, W148fs.
Identifiers: ClinVar variation 2580997 (VCV002580997.1), dbSNP rs2465762881, ClinGen allele CA2580618151.
Genomic context (GRCh38, chr2:32,087,519, plus strand): 5'-TACGATCTATACAAATAATTTTTTATTTTAAAGCAGGACAGAAGGAGCAAGCTGTGGAAT[G>TAC]GTATAAGAAAGGTATTGAAGAACTGGAAAAAGGAATAGCTGTTATAGTTACAGGACAAGG-3'